The following is an entry in ClinVar:

ClinVar aggregate classification (germline): Uncertain significance (1 of 4 stars; one submission).

Conditions:
Idiopathic generalized epilepsy. Also called: Generalised epilepsy; EIG. Identifiers: MedGen C0270850, MONDO:0005579, OMIM 600669.
Hyperaldosteronism, familial, type IV (HALD4). Also called: FH IV; ALDOSTERONISM, PRIMARY, AND HYPERTENSION. Identifiers: Orphanet 642671, MedGen C4310756, MONDO:0014875, OMIM 617027.

Allele frequency attached by ClinVar (database versions not stated): ExAC 0.00001; gnomAD exomes 0.00001.

Submission:

Labcorp Genetics (formerly Invitae), Labcorp
Classification: Uncertain significance for Idiopathic generalized epilepsy; Hyperaldosteronism, familial, type IV. Last evaluated: 2018-02-15. Review status: criteria provided, single submitter. Criteria: Invitae Variant Classification Sherloc (09022015). Collection method: clinical testing. Allele origin: germline.
Comment: In summary, the available evidence is currently insufficient to determine the role of this variant in disease. Therefore, it has been classified as a Variant of Uncertain Significance. Algorithms developed to predict the effect of missense changes on protein structure and function (SIFT, PolyPhen-2, Align-GVGD) all suggest that this variant is likely to be tolerated, but these predictions have not been confirmed by published functional studies and their clinical significance is uncertain. This variant has not been reported in the literature in individuals with CACNA1H-related disease. This variant is present in population databases (rs764727820, ExAC 0.006%). This sequence change replaces alanine with threonine at codon 1358 of the CACNA1H protein (p.Ala1358Thr). The alanine residue is weakly conserved and there is a small physicochemical difference between alanine and threonine.

NM_021098.3(CACNA1H):c.4072G>A (p.Ala1358Thr)

Gene: CACNA1H (calcium voltage-gated channel subunit alpha1 H; plus strand). Cytogenetic location: 16p13.3.
Variant type: single nucleotide variant.
Coding change: c.4072G>A on transcript NM_021098.3 (MANE Select); coding-DNA position 4072, G replaced by A.
Protein change: p.Ala1358Thr; replaces alanine 1358 with threonine.
Molecular consequence: missense variant.
Genome position (GRCh38, 1-based): chr16:1,210,820, G>A. VCF-style: chr16-1210820-G-A. GRCh37 (hg19) VCF-style: chr16-1260820-G-A.
Other names: c.4072G>A, p.Ala1358Thr (NM_001005407.2); short protein forms A1358T.
Identifiers: ClinVar variation 575342 (VCV000575342.8), dbSNP rs764727820, ClinGen allele CA7801141.